The following is an entry in ClinVar:

ClinVar aggregate classification (germline): Likely benign (0 of 4 stars; one submission).

Conditions:
SEMA3F-related disorder. Also called: SEMA3F-related condition.

Allele frequency attached by ClinVar (database versions not stated): ExAC 0.00035; 1000 Genomes Project 30x 0.00141; 1000 Genomes Project 0.00180.
gnomAD v4.1: 135 of 1,614,100 alleles (0.0084%); highest among the groups gnomAD compares: East Asian, 0.21%; no homozygotes.

Submissions (2):

PreventionGenetics, part of Exact Sciences
Classification: Likely benign for SEMA3F-related condition. Last evaluated: 2022-06-28. Review status: no assertion criteria provided. Collection method: clinical testing. Allele origin: germline.
Comment: This variant is classified as likely benign based on ACMG/AMP sequence variant interpretation guidelines (Richards et al. 2015 PMID: 25741868, with internal and published modifications).

Dr. Peter K. Rogan Lab, Western University
No classification provided (evidence only). Condition: Cervical cancer. Review status: no classification provided. Collection method: in vitro. Allele origin: not applicable. Functional consequence: retained intron. Not counted in ClinVar's aggregate classification.

NM_004186.5(SEMA3F):c.274-10C>G

Gene: SEMA3F (semaphorin 3F; plus strand). Cytogenetic location: 3p21.31.
Variant type: single nucleotide variant.
Coding change: c.274-10C>G on transcript NM_004186.5 (MANE Select); 10 bases into the intron before coding-DNA position 274, C replaced by G.
Molecular consequence: intron variant.
Genome position (GRCh38, 1-based): chr3:50,174,042, C>G. VCF-style: chr3-50174042-C-G. GRCh37 (hg19) VCF-style: chr3-50211475-C-G.
Other names: NC_000003.11:g.50211475C>G; c.70-10C>G (NM_001318798.2); c.274-10C>G (NM_001318800.2).
Identifiers: ClinVar variation 3052238 (VCV003052238.3), dbSNP rs374355347, ClinGen allele CA2411705.
Genomic context (GRCh38, chr3:50,174,042, plus strand): 5'-GGGTGGGCACGGAGCCCCAGGGCTCAGGGCATGTCCAGAAGGCTGCACCTTCTGACCCCC[C>G]TCTCTGCAGATACACTGGGCAGCCTCCCCACAGCGCATCGAGGAATGCGTGCTCTCAGGC-3'